The following is an entry in ClinVar:

NM_015151.4(DIP2A):c.447C>T (p.Pro149=)

Gene: DIP2A (DIP2 acetate--CoA ligase A; plus strand). Cytogenetic location: 21q22.3.
Variant type: single nucleotide variant.
Coding change: c.447C>T on transcript NM_015151.4 (MANE Select); coding-DNA position 447, C replaced by T.
Protein change: p.Pro149=; no amino-acid change (proline 149 retained).
Molecular consequence: synonymous variant. On other transcripts: intron variant (1).
Genome position (GRCh38, 1-based): chr21:46,498,625, C>T. VCF-style: chr21-46498625-C-T. GRCh37 (hg19) VCF-style: chr21-47918538-C-T.
Other names: c.447C>T, p.Pro149= (NM_001146115.2, NM_001146116.2, NM_001353942.2 and 5 more transcripts); c.403+1518C>T (NM_001353944.2).
Identifiers: ClinVar variation 4820806 (VCV004820806.4).

ClinVar aggregate classification (germline): Likely benign (1 of 4 stars; one submission).

gnomAD v4.1: 1,205 of 1,612,906 alleles (0.075%); highest among the groups gnomAD compares: Non-Finnish European, 0.097%; no homozygotes.

Submission:

CeGaT Center for Human Genetics Tuebingen
Classification: Likely benign. Last evaluated: 2026-03-01. Review status: criteria provided, single submitter. Criteria: CeGaT Center For Human Genetics Tuebingen Variant Classification Criteria Version 2. Collection method: clinical testing. Allele origin: germline. Affected: yes. Observed: 1 variant allele.
Comment: DIP2A: BP4, BP7